The following is an entry in ClinVar:

ClinVar aggregate classification (germline): Uncertain significance (1 of 4 stars; one submission).

Allele frequency attached by ClinVar (database versions not stated): gnomAD exomes below 0.00001.
gnomAD v4.1: 1 of 1,613,990 alleles (0.000062%); highest among the groups gnomAD compares: Non-Finnish European, 0.000085%; no homozygotes.

Submission:

Labcorp Genetics (formerly Invitae), Labcorp
Classification: Uncertain significance. Last evaluated: 2021-10-11. Review status: criteria provided, single submitter. Criteria: Invitae Variant Classification Sherloc (09022015). Collection method: clinical testing. Allele origin: germline.
Comment: In summary, the available evidence is currently insufficient to determine the role of this variant in disease. Therefore, it has been classified as a Variant of Uncertain Significance. Algorithms developed to predict the effect of missense changes on protein structure and function (SIFT, PolyPhen-2, Align-GVGD) all suggest that this variant is likely to be tolerated. This variant has not been reported in the literature in individuals affected with GPR45-related conditions. This variant is not present in population databases (ExAC no frequency). This sequence change replaces isoleucine with valine at codon 151 of the GPR45 protein (p.Ile151Val). The isoleucine residue is moderately conserved and there is a small physicochemical difference between isoleucine and valine.

NM_007227.3(GPR45):c.451A>G (p.Ile151Val)

Gene: GPR45 (G protein-coupled receptor 45; plus strand). Cytogenetic location: 2q12.1.
Variant type: single nucleotide variant.
Coding change: c.451A>G on transcript NM_007227.3 (MANE Select); coding-DNA position 451, A replaced by G.
Protein change: p.Ile151Val; replaces isoleucine 151 with valine.
Molecular consequence: missense variant.
Genome position (GRCh38, 1-based): chr2:105,242,309, A>G. VCF-style: chr2-105242309-A-G. GRCh37 (hg19) VCF-style: chr2-105858766-A-G.
Other names: short protein forms I151V.
Identifiers: ClinVar variation 1495932 (VCV001495932.6), dbSNP rs2104541461, ClinGen allele CA348100189.
Genomic context (GRCh38, chr2:105,242,309, plus strand): 5'-GACCGCTTCCTCATCATCGTCCAGCGCCAGGACAAGCTGAACCCGCGCAGGGCCAAGGTG[A>G]TCATCGCGGTCTCCTGGGTGCTGTCCTTCTGCATCGCGGGGCCCTCGCTCACGGGCTGGA-3'
Protein context (NP_009158.3, residues 141-161): DKLNPRRAKV[Ile151Val]IAVSWVLSFC